The following is an entry in ClinVar:

ClinVar aggregate classification (germline): Uncertain significance (1 of 4 stars; one submission).

Conditions:
Progressive myoclonic epilepsy type 9. Identifiers: Orphanet 457265, MedGen C4225289, MONDO:0014685, OMIM 616540.
Lipodystrophy, partial, acquired, susceptibility to (APLD). Also called: APLD, SUSCEPTIBILITY TO. Identifiers: MedGen C3887501, MONDO:0100476, OMIM 608709.

Allele frequency attached by ClinVar (database versions not stated): gnomAD exomes below 0.00001; gnomAD 0.00001; TOPMed 0.00002.
gnomAD v4.1: 2 of 1,608,794 alleles (0.00012%); highest among the groups gnomAD compares: Admixed American, 0.0017%; no homozygotes.

Submission:

Labcorp Genetics (formerly Invitae), Labcorp
Classification: Uncertain significance for Progressive myoclonic epilepsy type 9; Lipodystrophy, partial, acquired, susceptibility to. Last evaluated: 2021-09-03. Review status: criteria provided, single submitter. Criteria: Invitae Variant Classification Sherloc (09022015). Collection method: clinical testing. Allele origin: germline.
Comment: This sequence change replaces leucine with methionine at codon 314 of the LMNB2 protein (p.Leu314Met). The leucine residue is weakly conserved and there is a small physicochemical difference between leucine and methionine. This variant is not present in population databases (ExAC no frequency). This variant has not been reported in the literature in individuals affected with LMNB2-related conditions. Algorithms developed to predict the effect of missense changes on protein structure and function output the following: SIFT: "Deleterious"; PolyPhen-2: "Benign"; Align-GVGD: "Class C0". The methionine amino acid residue is found in multiple mammalian species, which suggests that this missense change does not adversely affect protein function. In summary, the available evidence is currently insufficient to determine the role of this variant in disease. Therefore, it has been classified as a Variant of Uncertain Significance.

NM_032737.4(LMNB2):c.940C>A (p.Leu314Met)

Gene: LMNB2 (lamin B2; minus strand). Cytogenetic location: 19p13.3.
Variant type: single nucleotide variant.
Coding change: c.940C>A on transcript NM_032737.4 (MANE Select); coding-DNA position 940, C replaced by A.
Protein change: p.Leu314Met; replaces leucine 314 with methionine.
Molecular consequence: missense variant.
Genome position (GRCh38, 1-based): chr19:2,434,829, G>T on the plus strand (C>A on the coding strand, the complement: LMNB2 is on the minus strand). VCF-style: chr19-2434829-G-T. GRCh37 (hg19) VCF-style: chr19-2434827-G-T.
Other names: short protein forms L314M.
Identifiers: ClinVar variation 1521690 (VCV001521690.6), dbSNP rs1971799683, ClinGen allele CA403254824.